The following is an entry in ClinVar:

ClinVar aggregate classification (germline): Likely benign. Review status: criteria provided, multiple submitters, no conflicts (2 of 4 stars). 2 submissions from 2 submitters: Likely benign (2). Last evaluated 2022-10-17.

Conditions:
Juvenile polyposis syndrome (JPS). Identifiers: Orphanet 2929, MedGen C0345893, MONDO:0017380, OMIM 174900.

Allele frequency attached by ClinVar (database versions not stated): TOPMed below 0.00001.

Submissions (2):

Labcorp Genetics (formerly Invitae), Labcorp
Classification: Likely benign for Juvenile polyposis syndrome. Last evaluated: 2022-10-17. Review status: criteria provided, single submitter. Criteria: Invitae Variant Classification Sherloc (09022015). Collection method: clinical testing. Allele origin: germline.

GeneDx
Classification: Likely benign. Last evaluated: 2017-05-05. Review status: criteria provided, single submitter. Criteria: GeneDx Variant Classification (06012015). Collection method: clinical testing. Allele origin: germline. Affected: yes.
Comment: This variant is considered likely benign or benign based on one or more of the following criteria: it is a conservative change, it occurs at a poorly conserved position in the protein, it is predicted to be benign by multiple in silico algorithms, and/or has population frequency not consistent with disease.

NM_005359.6(SMAD4):c.1585T>C (p.Leu529=)

Gene: SMAD4 (SMAD family member 4; plus strand). Cytogenetic location: 18q21.2.
Variant type: single nucleotide variant.
Coding change: c.1585T>C on transcript NM_005359.6 (MANE Select); coding-DNA position 1585, T replaced by C.
Protein change: p.Leu529=; no amino-acid change (leucine 529 retained).
Molecular consequence: synonymous variant.
Genome position (GRCh38, 1-based): chr18:51,078,393, T>C. VCF-style: chr18-51078393-T-C. GRCh37 (hg19) VCF-style: chr18-48604763-T-C.
Identifiers: ClinVar variation 509404 (VCV000509404.5), dbSNP rs1555687596, ClinGen allele CA503874037.